The following is an entry in ClinVar:

NM_021930.6(RINT1):c.2351G>A (p.Arg784Lys)

Genes: EFCAB10 (EF-hand calcium binding domain 10; minus strand), RINT1 (RAD50 interactor 1; plus strand). Cytogenetic location: 7q22.3.
Variant type: single nucleotide variant.
Coding change: c.2351G>A on transcript NM_021930.6 (MANE Select); coding-DNA position 2351, G replaced by A.
Protein change: p.Arg784Lys; replaces arginine 784 with lysine.
Molecular consequence: missense variant. On other transcripts: 3 prime UTR variant (2), non-coding transcript variant (1), intron variant (3).
Genome position (GRCh38, 1-based): chr7:105,567,283, G>A. VCF-style: chr7-105567283-G-A. GRCh37 (hg19) VCF-style: chr7-105207730-G-A.
Other names: c.*171C>T (NM_001355527.2, NM_001355529.2); c.2117G>A, p.Arg706Lys (NM_001346599.2); c.1328G>A, p.Arg443Lys (NM_001346600.2, NM_001346603.2); c.1427G>A, p.Arg476Lys (NM_001346601.2); c.360-1836C>T (NM_001355531.2); c.383+184C>T (NM_001355526.2, NM_001355530.2); short protein forms R476K, R706K, R784K, R443K.
Identifiers: ClinVar variation 1437850 (VCV001437850.8), dbSNP rs1441555223, ClinGen allele CA368815696.

ClinVar aggregate classification (germline): Uncertain significance. Review status: criteria provided, multiple submitters, no conflicts (2 of 4 stars). 2 submissions from 2 submitters: Uncertain significance (2). Last evaluated 2023-04-11.

Allele frequency attached by ClinVar (database versions not stated): gnomAD exomes below 0.00001.
gnomAD v4.1: 3 of 1,606,500 alleles (0.00019%); highest among the groups gnomAD compares: East Asian, 0.0067%; no homozygotes.

Submissions (2):

Ambry Genetics
Classification: Uncertain significance. Last evaluated: 2023-04-11. Review status: criteria provided, single submitter. Criteria: Ambry Variant Classification Scheme 2023. Collection method: clinical testing. Allele origin: germline.
Comment: The p.R784K variant (also known as c.2351G>A), located in coding exon 15 of the RINT1 gene, results from a G to A substitution at nucleotide position 2351. The arginine at codon 784 is replaced by lysine, an amino acid with highly similar properties. This amino acid position is well conserved in available vertebrate species. In addition, the in silico prediction for this alteration is inconclusive. Since supporting evidence is limited at this time, the clinical significance of this alteration remains unclear.

Labcorp Genetics (formerly Invitae), Labcorp
Classification: Uncertain significance. Last evaluated: 2023-02-18. Review status: criteria provided, single submitter. Criteria: Invitae Variant Classification Sherloc (09022015). Collection method: clinical testing. Allele origin: germline.
Comment: In summary, the available evidence is currently insufficient to determine the role of this variant in disease. Therefore, it has been classified as a Variant of Uncertain Significance. Algorithms developed to predict the effect of missense changes on protein structure and function output the following: SIFT: "Not Available"; PolyPhen-2: "Benign"; Align-GVGD: "Not Available". The lysine amino acid residue is found in multiple mammalian species, which suggests that this missense change does not adversely affect protein function. ClinVar contains an entry for this variant (Variation ID: 1437850). This variant has not been reported in the literature in individuals affected with RINT1-related conditions. This variant is present in population databases (no rsID available, gnomAD 0.006%). This sequence change replaces arginine, which is basic and polar, with lysine, which is basic and polar, at codon 784 of the RINT1 protein (p.Arg784Lys).